The following is an entry in ClinVar:

ClinVar aggregate classification (germline): Uncertain significance. Review status: criteria provided, multiple submitters, no conflicts (2 of 4 stars). 2 submissions from 2 submitters: Uncertain significance (2). Last evaluated 2025-08-13.

Conditions:
Inborn genetic diseases. Identifiers: MedGen C0950123, MeSH D030342.
Autosomal dominant childhood-onset proximal spinal muscular atrophy with contractures (SMALED2A). Also called: Spinal muscular atrophy, lower extremity-predominant, 2A, autosomal dominant; SPINAL MUSCULAR ATROPHY, LOWER EXTREMITY-PREDOMINANT, 2A, CHILDHOOD ONSET, AUTOSOMAL DOMINANT. Identifiers: Orphanet 363447, Orphanet 363454, MedGen C4747715, MONDO:0014121, OMIM 615290.

Allele frequency attached by ClinVar (database versions not stated): gnomAD exomes below 0.00001; gnomAD 0.00001; TOPMed 0.00001; ExAC 0.00002; ESP Exome Variant Server 0.00015.

Submissions (2):

Ambry Genetics
Classification: Uncertain significance for Inborn genetic diseases. Last evaluated: 2025-08-13. Review status: criteria provided, single submitter. Criteria: Ambry Variant Classification Scheme 2023. Collection method: clinical testing. Allele origin: germline.

Labcorp Genetics (formerly Invitae), Labcorp
Classification: Uncertain significance for Autosomal dominant childhood-onset proximal spinal muscular atrophy with contractures. Last evaluated: 2018-01-29. Review status: criteria provided, single submitter. Criteria: Invitae Variant Classification Sherloc (09022015). Collection method: clinical testing. Allele origin: germline.
Comment: This sequence change replaces arginine with cysteine at codon 783 of the BICD2 protein (p.Arg783Cys). The arginine residue is highly conserved and there is a large physicochemical difference between arginine and cysteine. This variant is present in population databases (rs144944522, ExAC 0.003%). This variant has not been reported in the literature in individuals with BICD2-related disease. Algorithms developed to predict the effect of missense changes on protein structure and function do not agree on the potential impact of this missense change (SIFT: "Deleterious"; PolyPhen-2: "Probably Damaging"; Align-GVGD: "Class C0"). In summary, the available evidence is currently insufficient to determine the role of this variant in disease. Therefore, it has been classified as a Variant of Uncertain Significance.

NM_001003800.2(BICD2):c.2347C>T (p.Arg783Cys)

Gene: BICD2 (BICD cargo adaptor 2; minus strand). Cytogenetic location: 9q22.31.
Variant type: single nucleotide variant.
Coding change: c.2347C>T on transcript NM_001003800.2 (MANE Select); coding-DNA position 2347, C replaced by T.
Protein change: p.Arg783Cys; replaces arginine 783 with cysteine.
Molecular consequence: missense variant.
Genome position (GRCh38, 1-based): chr9:92,715,375, G>A on the plus strand (C>T on the coding strand, the complement: BICD2 is on the minus strand). VCF-style: chr9-92715375-G-A. GRCh37 (hg19) VCF-style: chr9-95477657-G-A.
Other names: c.2347C>T, p.Arg783Cys (NM_015250.4); short protein forms R783C.
Identifiers: ClinVar variation 578676 (VCV000578676.10), dbSNP rs144944522, ClinGen allele CA5126322.